The following is an entry in ClinVar:

NM_001031689.3(PLAA):c.2273A>G (p.Asn758Ser)

Gene: PLAA (phospholipase A2 activating protein; minus strand). Cytogenetic location: 9p21.2.
Variant type: single nucleotide variant.
Coding change: c.2273A>G on transcript NM_001031689.3 (MANE Select); coding-DNA position 2273, A replaced by G.
Protein change: p.Asn758Ser; replaces asparagine 758 with serine.
Molecular consequence: missense variant.
Genome position (GRCh38, 1-based): chr9:26,905,626, T>C on the plus strand (A>G on the coding strand, the complement: PLAA is on the minus strand). VCF-style: chr9-26905626-T-C. GRCh37 (hg19) VCF-style: chr9-26905624-T-C.
Other names: c.2204A>G, p.Asn735Ser (NM_001321546.2); short protein forms N735S, N758S.
Identifiers: ClinVar variation 1901119 (VCV001901119.5), dbSNP rs1824205044, ClinGen allele CA373125034.
Genomic context (GRCh38, chr9:26,905,626, plus strand): 5'-ACTGAGGAATACTTTTTTATTTGAGAATCAACACCTAAAGACTTGGCTAATTGTACAGCA[T>C]TTGAATCATCACTGATAAGTGTTCCAAGAGCCACAAGAAGTCTAAAAGTGGCTTCTAGGT-3'
Protein context (NP_001026859.1, residues 748-768): ALGTLISDDS[Asn758Ser]AVQLAKSLGV

ClinVar aggregate classification (germline): Uncertain significance (1 of 4 stars; one submission).

Allele frequency attached by ClinVar (database versions not stated): gnomAD exomes below 0.00001; gnomAD 0.00001.
gnomAD v4.1: 2 of 1,613,984 alleles (0.00012%); highest among the groups gnomAD compares: African/African-American, 0.0013%; no homozygotes.

Submission:

Labcorp Genetics (formerly Invitae), Labcorp
Classification: Uncertain significance. Last evaluated: 2022-03-04. Review status: criteria provided, single submitter. Criteria: Invitae Variant Classification Sherloc (09022015). Collection method: clinical testing. Allele origin: germline.
Comment: In summary, the available evidence is currently insufficient to determine the role of this variant in disease. Therefore, it has been classified as a Variant of Uncertain Significance. Algorithms developed to predict the effect of missense changes on protein structure and function (SIFT, PolyPhen-2, Align-GVGD) all suggest that this variant is likely to be tolerated. This variant has not been reported in the literature in individuals affected with PLAA-related conditions. This variant is not present in population databases (gnomAD no frequency). This sequence change replaces asparagine, which is neutral and polar, with serine, which is neutral and polar, at codon 758 of the PLAA protein (p.Asn758Ser).